The following is an entry in ClinVar:

ClinVar aggregate classification (germline): Uncertain significance (1 of 4 stars; one submission).

Allele frequency attached by ClinVar (database versions not stated): gnomAD exomes below 0.00001; TOPMed below 0.00001.
gnomAD v4.1: 4 of 1,613,384 alleles (0.00025%); highest among the groups gnomAD compares: Non-Finnish European, 0.00034%; no homozygotes.

Submission:

Labcorp Genetics (formerly Invitae), Labcorp
Classification: Uncertain significance. Last evaluated: 2022-02-04. Review status: criteria provided, single submitter. Criteria: Invitae Variant Classification Sherloc (09022015). Collection method: clinical testing. Allele origin: germline.
Comment: In summary, the available evidence is currently insufficient to determine the role of this variant in disease. Therefore, it has been classified as a Variant of Uncertain Significance. Algorithms developed to predict the effect of missense changes on protein structure and function are either unavailable or do not agree on the potential impact of this missense change (SIFT: "Tolerated"; PolyPhen-2: "Probably Damaging"; Align-GVGD: "Class C0"). This variant has not been reported in the literature in individuals affected with PACS2-related conditions. This variant is not present in population databases (gnomAD no frequency). This sequence change replaces valine, which is neutral and non-polar, with methionine, which is neutral and non-polar, at codon 699 of the PACS2 protein (p.Val699Met).

NM_001100913.3(PACS2):c.2095G>A (p.Val699Met)

Gene: PACS2 (phosphofurin acidic cluster sorting protein 2; plus strand). Cytogenetic location: 14q32.33.
Variant type: single nucleotide variant.
Coding change: c.2095G>A on transcript NM_001100913.3 (MANE Select); coding-DNA position 2095, G replaced by A.
Protein change: p.Val699Met; replaces valine 699 with methionine.
Molecular consequence: missense variant.
Genome position (GRCh38, 1-based): chr14:105,391,225, G>A. VCF-style: chr14-105391225-G-A. GRCh37 (hg19) VCF-style: chr14-105857562-G-A.
Other names: c.1825G>A, p.Val609Met (NM_001243127.3); c.2050G>A, p.Val684Met (NM_015197.4); short protein forms V609M, V699M, V684M.
Identifiers: ClinVar variation 1436498 (VCV001436498.8), dbSNP rs1329088846, ClinGen allele CA391185533.